The following is an entry in ClinVar:

NM_000136.3(FANCC):c.1252C>G (p.Pro418Ala)

Genes: AOPEP (aminopeptidase O (putative); plus strand), FANCC (FA complementation group C; minus strand). Cytogenetic location: 9q22.32.
Variant type: single nucleotide variant.
Coding change: c.1252C>G on transcript NM_000136.3 (MANE Select); coding-DNA position 1252, C replaced by G.
Protein change: p.Pro418Ala; replaces proline 418 with alanine.
Molecular consequence: missense variant.
Genome position (GRCh38, 1-based): chr9:95,111,540, G>C on the plus strand (C>G on the coding strand, the complement: FANCC is on the minus strand). VCF-style: chr9-95111540-G-C. GRCh37 (hg19) VCF-style: chr9-97873822-G-C.
Other names: c.1252C>G, p.Pro418Ala (NM_001243743.2, NM_001243744.2); short protein forms P418A.
Identifiers: ClinVar variation 1761016 (VCV001761016.2), dbSNP rs1284061457, ClinGen allele CA374107372.
Genomic context (GRCh38, chr9:95,111,540, plus strand): 5'-GCTGCCTCCCATCACGGGGGCCGTAGTAGAAGGCCAAGAGCCACAGCAGGGCCGTGGGGG[G>C]TTCGGCTGCCGACATCAGTAATTGCTCTGCCACCATCTCAGCCCATCCTCCGAAGTGAAT-3'
Protein context (NP_000127.2, residues 408-428): AEQLLMSAAE[Pro418Ala]PTALLWLLAF

ClinVar aggregate classification (germline): Uncertain significance (1 of 4 stars; one submission).

Conditions:
Hereditary cancer-predisposing syndrome. Also called: Neoplastic Syndromes, Hereditary; Tumor predisposition; Hereditary Cancer Syndrome; Hereditary neoplastic syndrome. Identifiers: Orphanet 140162, MedGen C0027672, MeSH D009386, MONDO:0015356.

gnomAD v4.1: 30 of 1,614,128 alleles (0.0019%); highest among the groups gnomAD compares: Non-Finnish European, 0.0025%; no homozygotes.

Submission:

Ambry Genetics
Classification: Uncertain significance for Hereditary cancer-predisposing syndrome. Last evaluated: 2020-02-03. Review status: criteria provided, single submitter. Criteria: Ambry Variant Classification Scheme 2023. Collection method: clinical testing. Allele origin: germline.
Comment: The p.P418A variant (also known as c.1252C>G), located in coding exon 12 of the FANCC gene, results from a C to G substitution at nucleotide position 1252. The proline at codon 418 is replaced by alanine, an amino acid with highly similar properties. This amino acid position is not well conserved in available vertebrate species. In addition, this alteration is predicted to be tolerated by in silico analysis. Since supporting evidence is limited at this time, the clinical significance of this alteration remains unclear.